The following is an entry in ClinVar:

NM_001042413.2(GLIS3):c.2710G>A (p.Gly904Arg)

Gene: GLIS3 (GLIS family zinc finger 3; minus strand). Cytogenetic location: 9p24.2.
Variant type: single nucleotide variant.
Coding change: c.2710G>A on transcript NM_001042413.2 (MANE Select); coding-DNA position 2710, G replaced by A.
Protein change: p.Gly904Arg; replaces glycine 904 with arginine.
Molecular consequence: missense variant.
Genome position (GRCh38, 1-based): chr9:3,828,355, C>T on the plus strand (G>A on the coding strand, the complement: GLIS3 is on the minus strand). VCF-style: chr9-3828355-C-T. GRCh37 (hg19) VCF-style: chr9-3828355-C-T.
Other names: c.2245G>A, p.Gly749Arg (NM_152629.4); short protein forms G904R, G749R.
Identifiers: ClinVar variation 366953 (VCV000366953.8), dbSNP rs150310830, ClinGen allele CA4967656.
Genomic context (GRCh38, chr9:3,828,355, plus strand): 5'-AGAGCTGGCTAGGACAGCGGTCCACGGTGCTGATCTGCAAGAAGGTAGCATCTTCAGCCC[C>T]GCTGCGGAGAGACTCCCCAAAGAGGCTCGAGGAACTTGAAGGTAAATCATACACTGGAAG-3'
Protein context (NP_001035878.1, residues 894-914): SSLFGESLRS[Gly904Arg]AEDATFLQIS

ClinVar aggregate classification (germline): Uncertain significance. Review status: criteria provided, multiple submitters, no conflicts (2 of 4 stars). 4 submissions from 4 submitters: Uncertain significance (4). Last evaluated 2026-09-09.

Conditions:
GLIS3-related disorder. Also called: GLIS3-related condition.
Neonatal diabetes mellitus with congenital hypothyroidism. Also called: NDH SYNDROME. Identifiers: Orphanet 79118, MedGen C1857775, MONDO:0012436, OMIM 610199.

Allele frequency attached by ClinVar (database versions not stated): ExAC 0.00018; gnomAD exomes 0.00022; TOPMed 0.00022; 1000 Genomes Project 0.00040; ESP Exome Variant Server 0.00046; 1000 Genomes Project 30x 0.00047.
gnomAD v4.1: 393 of 1,613,888 alleles (0.024%); highest among the groups gnomAD compares: Admixed American, 0.032%; no homozygotes.

Submissions (4):

PreventionGenetics, part of Exact Sciences
Classification: Uncertain significance for GLIS3-related condition. Last evaluated: 2026-09-09. Review status: criteria provided, single submitter. Criteria: ACMG Guidelines, 2015. Collection method: clinical testing. Allele origin: germline.
Comment: The GLIS3 c.2710G>A variant is predicted to result in the amino acid substitution p.Gly904Arg. This variant was reported in a cohort with hypothyroidism (Table S2, Wang et al. 2020. PubMed ID: 32425884) and was also observed in diabetes and obesity cohort (Table S1, Meulebrouck et al. 2023. PubMed ID: 38051360); however, information about the presence or absence of a second variant was not provided in either of these two studies. This variant is reported in 0.029% of alleles in individuals of European (Non-Finnish) descent in gnomAD. At this time, the clinical significance of this variant is uncertain due to the absence of conclusive functional and genetic evidence.

Labcorp Genetics (formerly Invitae), Labcorp
Classification: Uncertain significance. Last evaluated: 2022-07-05. Review status: criteria provided, single submitter. Criteria: Invitae Variant Classification Sherloc (09022015). Collection method: clinical testing. Allele origin: germline.
Comment: This sequence change replaces glycine, which is neutral and non-polar, with arginine, which is basic and polar, at codon 749 of the GLIS3 protein (p.Gly749Arg). This variant is present in population databases (rs150310830, gnomAD 0.03%). This missense change has been observed in individual(s) with congenital hypothyroidism (PMID: 32425884). This variant is also known as p.G904R. ClinVar contains an entry for this variant (Variation ID: 366953). Algorithms developed to predict the effect of missense changes on protein structure and function are either unavailable or do not agree on the potential impact of this missense change (SIFT: "Deleterious"; PolyPhen-2: "Probably Damaging"; Align-GVGD: "Class C0"). Algorithms developed to predict the effect of sequence changes on RNA splicing suggest that this variant may create or strengthen a splice site. In summary, the available evidence is currently insufficient to determine the role of this variant in disease. Therefore, it has been classified as a Variant of Uncertain Significance.

Fulgent Genetics
Classification: Uncertain significance for Neonatal diabetes mellitus with congenital hypothyroidism. Last evaluated: 2021-08-17. Review status: criteria provided, single submitter. Criteria: ACMG Guidelines, 2015. Collection method: clinical testing. Allele origin: unknown.

Illumina Laboratory Services, Illumina
Classification: Uncertain significance for Neonatal diabetes mellitus with congenital hypothyroidism. Last evaluated: 2018-01-13. Review status: criteria provided, single submitter. Criteria: ICSL Variant Classification Criteria 13 December 2019. Collection method: clinical testing. Allele origin: germline.

Literature cited by the submitters: PubMed 32425884 (cited by Labcorp Genetics (formerly Invitae), Labcorp).